The following is an entry in ClinVar:

NM_015450.3(POT1):c.1394_1395del (p.Lys465fs)

Gene: POT1 (protection of telomeres 1; minus strand). Cytogenetic location: 7q31.33.
Variant type: Deletion.
Coding change: c.1394_1395del on transcript NM_015450.3 (MANE Select); coding-DNA positions 1394 to 1395, 2 bases deleted (AA; older notation c.1394_1395delAA).
Protein change: p.Lys465fs; shifts the reading frame from lysine 465.
Molecular consequence: frameshift variant. On other transcripts: non-coding transcript variant (3).
Genome position (GRCh38, 1-based): chr7:124,835,389-124,835,390, TT deleted on the plus strand (AA on the coding strand, the reverse complement: POT1 is on the minus strand); deleting any 2 consecutive bases within chr7:124,835,389-124,835,391 gives the same sequence; the c. name uses the placement nearest the transcript's 3' end. VCF-style (leftmost placement, unchanged base first): chr7-124835388-GTT-G. GRCh37 (hg19) VCF-style: chr7-124475442-GTT-G.
Other names: c.1001_1002del, p.Lys334fs (NM_001042594.2); short protein forms K465fs, K334fs.
Identifiers: ClinVar variation 3423124 (VCV003423124.2).

ClinVar aggregate classification (germline): Pathogenic. Review status: criteria provided, multiple submitters, no conflicts (2 of 4 stars). 2 submissions from 2 submitters: Pathogenic (2). Last evaluated 2025-07-01.

Conditions:
Tumor predisposition syndrome 3 (TPDS3). Also called: Melanoma, cutaneous malignant, susceptibility to, 10; Glioma susceptibility 9; LONG TELOMERE SYNDROME, POT1-RELATED; POT1 Tumor Predisposition. Identifiers: Orphanet 618, MedGen C4014476, MONDO:0014368, OMIM 615848.
Hereditary cancer-predisposing syndrome. Also called: Tumor predisposition; Hereditary Cancer Syndrome; Hereditary neoplastic syndrome; Neoplastic Syndromes, Hereditary. Identifiers: Orphanet 140162, MedGen C0027672, MeSH D009386, MONDO:0015356.

Submissions (2):

Labcorp Genetics (formerly Invitae), Labcorp
Classification: Pathogenic for Tumor predisposition syndrome 3. Last evaluated: 2025-07-01. Review status: criteria provided, single submitter. Criteria: Invitae Variant Classification Sherloc (09022015). Collection method: clinical testing. Allele origin: germline.
Comment: This sequence change creates a premature translational stop signal (p.Lys465Thrfs*6) in the POT1 gene. It is expected to result in an absent or disrupted protein product. Loss-of-function variants in POT1 are known to be pathogenic (PMID: 32155570). This variant is not present in population databases (gnomAD no frequency). This variant has not been reported in the literature in individuals affected with POT1-related conditions. ClinVar contains an entry for this variant (Variation ID: 3423124). For these reasons, this variant has been classified as Pathogenic.

Ambry Genetics
Classification: Pathogenic for Hereditary cancer-predisposing syndrome. Last evaluated: 2024-09-23. Review status: criteria provided, single submitter. Criteria: Ambry Variant Classification Scheme 2023. Collection method: clinical testing. Allele origin: germline.
Comment: The c.1394_1395delAA pathogenic mutation, located in coding exon 11 of the POT1 gene, results from a deletion of two nucleotides at nucleotide positions 1394 to 1395, causing a translational frameshift with a predicted alternate stop codon (p.K465Tfs*6). This variant is considered to be rare based on population cohorts in the Genome Aggregation Database (gnomAD). This alteration is expected to result in loss of function by premature protein truncation or nonsense-mediated mRNA decay. As such, this alteration is interpreted as a disease-causing mutation.

Literature cited by the submitters: PubMed 32155570 (cited by Labcorp Genetics (formerly Invitae), Labcorp).